The following is an entry in ClinVar:

NM_001080517.3(SETD5):c.3313A>G (p.Asn1105Asp)

Gene: SETD5 (SET domain containing 5; plus strand). Cytogenetic location: 3p25.3.
Variant type: single nucleotide variant.
Coding change: c.3313A>G on transcript NM_001080517.3 (MANE Select); coding-DNA position 3313, A replaced by G.
Protein change: p.Asn1105Asp; replaces asparagine 1105 with aspartic acid.
Molecular consequence: missense variant.
Genome position (GRCh38, 1-based): chr3:9,473,353, A>G. VCF-style: chr3-9473353-A-G. GRCh37 (hg19) VCF-style: chr3-9515037-A-G.
Other names: c.3019A>G, p.Asn1007Asp (NM_001292043.2, NM_001349451.2); short protein forms N1007D, N1105D.
Identifiers: ClinVar variation 1220129 (VCV001220129.5), dbSNP rs760024950, ClinGen allele CA2239659.
Genomic context (GRCh38, chr3:9,473,353, plus strand): 5'-GGGGGAGGTGACTCTGCACAGAGCAAAAGCAAGTCTGCAGGAGCTGGGCAAGGCAGCAGT[A>G]ACTCCGTTTCCGACACTGGTGCCCATGGTGTGCAGGGATCCTCAGCCCGAACTCCATCTT-3'
Protein context (NP_001073986.1, residues 1095-1115): KSAGAGQGSS[Asn1105Asp]SVSDTGAHGV

ClinVar aggregate classification (germline): Uncertain significance. Review status: criteria provided, multiple submitters, no conflicts (2 of 4 stars). 2 submissions from 2 submitters: Uncertain significance (2). Last evaluated 2025-07-15.

Allele frequency attached by ClinVar (database versions not stated): TOPMed below 0.00001; ExAC 0.00002; gnomAD exomes 0.00001 and below 0.00001.
gnomAD v4.1: 6 of 1,613,982 alleles (0.00037%); highest among the groups gnomAD compares: South Asian, 0.0055%; no homozygotes.

Submissions (2):

Labcorp Genetics (formerly Invitae), Labcorp
Classification: Uncertain significance. Last evaluated: 2025-07-15. Review status: criteria provided, single submitter. Criteria: Invitae Variant Classification Sherloc (09022015). Collection method: clinical testing. Allele origin: germline.
Comment: This sequence change replaces asparagine, which is neutral and polar, with aspartic acid, which is acidic and polar, at codon 1105 of the SETD5 protein (p.Asn1105Asp). This variant is present in population databases (rs760024950, gnomAD 0.009%). This variant has not been reported in the literature in individuals affected with SETD5-related conditions. ClinVar contains an entry for this variant (Variation ID: 1220129). Invitae Evidence Modeling of protein sequence and biophysical properties (such as structural, functional, and spatial information, amino acid conservation, physicochemical variation, residue mobility, and thermodynamic stability) indicates that this missense variant is not expected to disrupt SETD5 protein function with a negative predictive value of 80%. In summary, the available evidence is currently insufficient to determine the role of this variant in disease. Therefore, it has been classified as a Variant of Uncertain Significance.

GeneDx
Classification: Uncertain significance. Last evaluated: 2021-02-22. Review status: criteria provided, single submitter. Criteria: GeneDx Variant Classification Process June 2021. Collection method: clinical testing. Allele origin: germline. Affected: yes.
Comment: In silico analysis, which includes protein predictors and evolutionary conservation, supports that this variant does not alter protein structure/function; Has not been previously published as pathogenic or benign to our knowledge